The following is an entry in ClinVar:

ClinVar aggregate classification (germline): Uncertain significance. Review status: criteria provided, multiple submitters, no conflicts (2 of 4 stars). 2 submissions from 2 submitters: Uncertain significance (2). Last evaluated 2024-06-27.

Conditions:
Inborn genetic diseases. Identifiers: MedGen C0950123, MeSH D030342.

Submissions (2):

GeneDx
Classification: Uncertain significance. Last evaluated: 2024-06-27. Review status: criteria provided, single submitter. Criteria: GeneDx Variant Classification Process June 2021. Collection method: clinical testing. Allele origin: germline. Affected: yes.
Comment: Not observed at significant frequency in large population cohorts (gnomAD); In silico analysis indicates that this missense variant does not alter protein structure/function; Has not been previously published as pathogenic or benign to our knowledge

Ambry Genetics
Classification: Uncertain significance for Inborn genetic diseases. Last evaluated: 2022-06-03. Review status: criteria provided, single submitter. Criteria: Ambry Variant Classification Scheme 2023. Collection method: clinical testing. Allele origin: germline.

NM_133259.4(LRPPRC):c.2617C>A (p.Leu873Ile)

Gene: LRPPRC (leucine rich pentatricopeptide repeat containing; minus strand). Cytogenetic location: 2p21.
Variant type: single nucleotide variant.
Coding change: c.2617C>A on transcript NM_133259.4 (MANE Select); coding-DNA position 2617, C replaced by A.
Protein change: p.Leu873Ile; replaces leucine 873 with isoleucine.
Molecular consequence: missense variant.
Genome position (GRCh38, 1-based): chr2:43,934,766, G>T on the plus strand (C>A on the coding strand, the complement: LRPPRC is on the minus strand). VCF-style: chr2-43934766-G-T. GRCh37 (hg19) VCF-style: chr2-44161905-G-T.
Other names: short protein forms L873I.
Identifiers: ClinVar variation 2294078 (VCV002294078.3), dbSNP rs564684580, ClinGen allele CA346671590.
Genomic context (GRCh38, chr2:43,934,766, plus strand): 5'-GCAAGAAGGGAAAAAAAAACTACATTAAGATACTAGAAAGTGACTCACCTTTCTGAATTA[G>T]ATCAGTCTCGCCTTTCTCTACCAGTTTACACAAGACATCATGAATCCTTGGTAATACTTT-3'
Protein context (NP_573566.2, residues 863-883): CKLVEKGETD[Leu873Ile]IQKAMDFVSQ